The following is an entry in ClinVar:

ClinVar aggregate classification (germline): Benign/Likely benign. Review status: criteria provided, multiple submitters, no conflicts (2 of 4 stars). 16 submissions from 15 submitters: Benign (9); Likely benign (1). 6 of the submissions do not count toward it. Last evaluated 2026-02-04.

Conditions:
Adams-Oliver syndrome 5 (AOS5). Identifiers: Orphanet 974, MedGen C4014970, MONDO:0014459, OMIM 616028.
Hypoplastic left heart syndrome. Also called: Hypoplastic left ventricle; Hypoplastic left heart. Identifiers: Orphanet 2248, MedGen C0152101, MONDO:0004933, HP:0004383.
Familial thoracic aortic aneurysm and aortic dissection (TAAD). Also called: Thoracic aortic aneurysms and dissections. Identifiers: Orphanet 91387, MedGen C4707243, MONDO:0019625.
Aortic valve disease 1 (AOVD1). Identifiers: MedGen C3887892, MONDO:0024523, OMIM 109730.

Allele frequency attached by ClinVar (database versions not stated): ESP Exome Variant Server 0.01245; gnomAD 0.01849 and 0.01878; gnomAD exomes 0.01891 and 0.03118; 1000 Genomes Project 0.02117; 1000 Genomes Project 30x 0.02389; ExAC 0.02541; TOPMed 0.02601.
gnomAD v4.1: 30,370 of 1,612,814 alleles (1.9%); highest among the groups gnomAD compares: Admixed American, 14%; 902 homozygotes.

Submissions (16):

Labcorp Genetics (formerly Invitae), Labcorp
Classification: Benign for Adams-Oliver syndrome 5. Last evaluated: 2026-02-04. Review status: criteria provided, single submitter. Criteria: Invitae Variant Classification Sherloc (09022015). Collection method: clinical testing. Allele origin: germline.

ARUP Laboratories, Molecular Genetics and Genomics, ARUP Laboratories
Classification: Benign. Last evaluated: 2025-07-21. Review status: criteria provided, single submitter. Criteria: ARUP Molecular Germline Variant Investigation Process 2024. Collection method: clinical testing. Allele origin: germline.

Women's Health and Genetics/Laboratory Corporation of America, LabCorp
Classification: Likely benign. Last evaluated: 2023-04-10. Review status: criteria provided, single submitter. Criteria: LabCorp Variant Classification Summary - May 2015. Collection method: clinical testing. Allele origin: germline.

Genome-Nilou Lab
Classification: Benign for Adams-Oliver syndrome 5. Last evaluated: 2022-03-15. Review status: criteria provided, single submitter. Criteria: ACMG Guidelines, 2015. Collection method: clinical testing. Allele origin: germline. Affected: no.

Genome-Nilou Lab
Classification: Benign for Aortic valve disease 1. Last evaluated: 2022-03-15. Review status: criteria provided, single submitter. Criteria: ACMG Guidelines, 2015. Collection method: clinical testing. Allele origin: germline. Affected: no.

Mayo Clinic Laboratories, Mayo Clinic
Classification: Benign. Last evaluated: 2017-11-22. Review status: criteria provided, single submitter. Criteria: ACMG Guidelines, 2015. Collection method: clinical testing. Allele origin: germline. Observed: 86 variant alleles.

GeneDx
Classification: Benign. Last evaluated: 2016-10-04. Review status: criteria provided, single submitter. Criteria: GeneDx Variant Classification (06012015). Collection method: clinical testing. Allele origin: germline. Affected: yes.
Comment: This variant is considered likely benign or benign based on one or more of the following criteria: it is a conservative change, it occurs at a poorly conserved position in the protein, it is predicted to be benign by multiple in silico algorithms, and/or has population frequency not consistent with disease.

Eurofins Ntd Llc (ga)
Classification: Benign. Last evaluated: 2015-07-29. Review status: criteria provided, single submitter. Criteria: EGL Classification Definitions 2015. Collection method: clinical testing. Allele origin: germline. Observed: 1 variant allele, 1 heterozygote.

Ambry Genetics
Classification: Benign for Familial thoracic aortic aneurysm and aortic dissection. Last evaluated: 2015-02-20. Review status: criteria provided, single submitter. Criteria: Ambry Variant Classification Scheme 2023. Collection method: clinical testing. Allele origin: germline.

Breakthrough Genomics
Classification: Benign. Review status: criteria provided, single submitter. Criteria: ACMG Guidelines, 2015. Collection method: not provided. Allele origin: germline. Inheritance: Autosomal dominant inheritance. Affected: yes.

ITMI
No classification provided. Condition: AllHighlyPenetrant. Last evaluated: 2013-09-19. Review status: no classification provided. Collection method: reference population. Allele origin: germline. Not counted in ClinVar's aggregate classification.
Comment: Please see associated publication for description of ethnicities

Genome Diagnostics Laboratory, Amsterdam University Medical Center
Classification: Benign. Review status: no assertion criteria provided. Collection method: clinical testing. Allele origin: germline. Affected: yes. Study: VKGL Data-share Consensus. Not counted in ClinVar's aggregate classification.

Genome Diagnostics Laboratory, University Medical Center Utrecht
Classification: Benign. Review status: no assertion criteria provided. Collection method: clinical testing. Allele origin: germline. Affected: yes. Study: VKGL Data-share Consensus. Not counted in ClinVar's aggregate classification.

Joint Genome Diagnostic Labs from Nijmegen and Maastricht, Radboudumc and MUMC+
Classification: Benign. Review status: no assertion criteria provided. Collection method: clinical testing. Allele origin: germline. Affected: yes. Study: VKGL Data-share Consensus. Not counted in ClinVar's aggregate classification.

Laboratory of Diagnostic Genome Analysis, Leiden University Medical Center (LUMC)
Classification: Likely benign. Review status: no assertion criteria provided. Collection method: clinical testing. Allele origin: germline. Affected: yes. Study: VKGL Data-share Consensus. Not counted in ClinVar's aggregate classification.

University of Washington Center for Mendelian Genomics, University of Washington
Classification: Uncertain significance for hypoplastic left heart syndrome. Review status: no assertion criteria provided. Collection method: research. Allele origin: unknown. Affected: yes. Not counted in ClinVar's aggregate classification.

Literature cited by the submitters: PubMed 24943832 (cited by Women's Health and Genetics/Laboratory Corporation of America, LabCorp); PubMed 16614245 (cited by Women's Health and Genetics/Laboratory Corporation of America, LabCorp); PubMed 21670202 (cited by Women's Health and Genetics/Laboratory Corporation of America, LabCorp); PubMed 22210878 (cited by Women's Health and Genetics/Laboratory Corporation of America, LabCorp); PubMed 19635999 (cited by Women's Health and Genetics/Laboratory Corporation of America, LabCorp); PubMed 26837699 (cited by Women's Health and Genetics/Laboratory Corporation of America, LabCorp); PubMed 23086750 (cited by Women's Health and Genetics/Laboratory Corporation of America, LabCorp); PubMed 19245433 (cited by Women's Health and Genetics/Laboratory Corporation of America, LabCorp); PubMed 22077063 (cited by Women's Health and Genetics/Laboratory Corporation of America, LabCorp); PubMed 15472075 (cited by Women's Health and Genetics/Laboratory Corporation of America, LabCorp); PubMed 23734977 (cited by Women's Health and Genetics/Laboratory Corporation of America, LabCorp); PubMed 22858860 (cited by Women's Health and Genetics/Laboratory Corporation of America, LabCorp); PubMed 24728327 (cited by Ambry Genetics and ITMI); PubMed 30511478 (cited by University of Washington Center for Mendelian Genomics, University of Washington).

NM_017617.5(NOTCH1):c.6853G>A (p.Val2285Ile)

Gene: NOTCH1 (notch receptor 1; minus strand). Cytogenetic location: 9q34.3.
Variant type: single nucleotide variant.
Coding change: c.6853G>A on transcript NM_017617.5 (MANE Select); coding-DNA position 6853, G replaced by A.
Protein change: p.Val2285Ile; replaces valine 2285 with isoleucine.
Molecular consequence: missense variant.
Genome position (GRCh38, 1-based): chr9:136,496,886, C>T on the plus strand (G>A on the coding strand, the complement: NOTCH1 is on the minus strand). VCF-style: chr9-136496886-C-T. GRCh37 (hg19) VCF-style: chr9-139391338-C-T.
Other names: p.Val2285Ile; c.6853G>A, p.Val2285Ile (LRG_1122t1); c.6853G>A (NM_017617.4); short protein forms V2285I.
Identifiers: ClinVar variation 134954 (VCV000134954.34), dbSNP rs61751489, ClinGen allele CA161235.
Genomic context (GRCh38, chr9:136,496,886, plus strand): 5'-TCAAACTGGTGGACCCGCCCACAGTGAAATTCAGGGCCCCTCCGCTGCTGGAGCCCAGGA[C>T]GGTGCTGGTGCCAGAGGCCACAGGCAGGTGGGAGAGACGAGGTGGGCCAGTCTCAAAGGC-3'
Protein context (NP_060087.3, residues 2275-2295): HLPVASGTST[Val2285Ile]LGSSSGGALN